The following is an entry in ClinVar:

ClinVar aggregate classification (germline): Uncertain significance (1 of 4 stars; one submission).

Submission:

Labcorp Genetics (formerly Invitae), Labcorp
Classification: Uncertain significance. Last evaluated: 2024-12-03. Review status: criteria provided, single submitter. Criteria: Invitae Variant Classification Sherloc (09022015). Collection method: clinical testing. Allele origin: germline.
Comment: This sequence change replaces alanine, which is neutral and non-polar, with glycine, which is neutral and non-polar, at codon 4749 of the PCLO protein (p.Ala4749Gly). This variant is not present in population databases (gnomAD no frequency). This variant has not been reported in the literature in individuals affected with PCLO-related conditions. Experimental studies and prediction algorithms are not available or were not evaluated, and the functional significance of this variant is currently unknown. In summary, the available evidence is currently insufficient to determine the role of this variant in disease. Therefore, it has been classified as a Variant of Uncertain Significance.

NM_033026.6(PCLO):c.14246C>G (p.Ala4749Gly)

Gene: PCLO (piccolo presynaptic cytomatrix protein; minus strand). Cytogenetic location: 7q21.11.
Variant type: single nucleotide variant.
Coding change: c.14246C>G on transcript NM_033026.6 (MANE Select); coding-DNA position 14246, C replaced by G.
Protein change: p.Ala4749Gly; replaces alanine 4749 with glycine.
Molecular consequence: missense variant.
Genome position (GRCh38, 1-based): chr7:82,835,670, G>C on the plus strand (C>G on the coding strand, the complement: PCLO is on the minus strand). VCF-style: chr7-82835670-G-C. GRCh37 (hg19) VCF-style: chr7-82464986-G-C.
Other names: c.14246C>G, p.Ala4749Gly (NM_014510.3); short protein forms A4749G.
Identifiers: ClinVar variation 3669077 (VCV003669077.2).